The following is an entry in ClinVar:

NM_002474.3(MYH11):c.2773C>G (p.His925Asp)

Gene: MYH11 (myosin heavy chain 11; minus strand). Cytogenetic location: 16p13.11.
Variant type: single nucleotide variant.
Coding change: c.2773C>G on transcript NM_002474.3 (MANE Select); coding-DNA position 2773, C replaced by G.
Protein change: p.His925Asp; replaces histidine 925 with aspartic acid.
Molecular consequence: missense variant.
Genome position (GRCh38, 1-based): chr16:15,741,549, G>C on the plus strand (C>G on the coding strand, the complement: MYH11 is on the minus strand). VCF-style: chr16-15741549-G-C. GRCh37 (hg19) VCF-style: chr16-15835406-G-C.
Other names: c.2794C>G, p.His932Asp (NM_001040113.2, NM_001040114.2); c.2773C>G, p.His925Asp (NM_022844.3); short protein forms H925D, H932D.
Identifiers: ClinVar variation 629798 (VCV000629798.4), dbSNP rs756452596, ClinGen allele CA394865174.

ClinVar aggregate classification (germline): Uncertain significance (1 of 4 stars; one submission).

Conditions:
Familial thoracic aortic aneurysm and aortic dissection (TAAD). Also called: Thoracic aortic aneurysms and dissections. Identifiers: Orphanet 91387, MedGen C4707243, MONDO:0019625.

Submission:

Color Diagnostics, LLC DBA Color Health
Classification: Uncertain significance for Familial thoracic aortic aneurysm and aortic dissection. Last evaluated: 2023-12-05. Review status: criteria provided, single submitter. Criteria: ACMG Guidelines, 2015. Collection method: clinical testing. Allele origin: germline.
Comment: Variant of Uncertain Significance due to insufficient evidence: This missense variant is located in the coiled coil myosin tail domain of the MYH11 protein. Computational prediction tools and conservation analyses suggest that this variant may have deleterious impact on the protein function. Computational splicing tools suggest that this variant may not impact RNA splicing. To our knowledge, functional assays have not been performed for this variant nor has this variant been reported in individuals affected with cardiovascular disorders in the literature. This variant is rare in the general population and has been identified in 0/277264 chromosomes by the Genome Aggregation Database (gnomAD). Available evidence is insufficient to determine the pathogenicity of this variant conclusively.